The following is an entry in ClinVar:

ClinVar aggregate classification (germline): Uncertain significance (1 of 4 stars; one submission).

Conditions:
Inborn genetic diseases. Identifiers: MedGen C0950123, MeSH D030342.

gnomAD v4.1: 1 of 1,614,152 alleles (0.000062%); highest among the groups gnomAD compares: South Asian, 0.0011%; no homozygotes.

Submission:

Ambry Genetics
Classification: Uncertain significance for Inborn genetic diseases. Last evaluated: 2026-01-14. Review status: criteria provided, single submitter. Criteria: Ambry Variant Classification Scheme 2023. Collection method: clinical testing. Allele origin: germline.
Comment: The p.R1253T variant (also known as c.3758G>C), located in coding exon 37 of the FANCA gene, results from a G to C substitution at nucleotide position 3758. The arginine at codon 1253 is replaced by threonine, an amino acid with similar properties. This amino acid position is conserved. In addition, this alteration is predicted to be tolerated by in silico analysis. Based on the available evidence, the clinical significance of this variant remains unclear.

NM_000135.4(FANCA):c.3758G>C (p.Arg1253Thr)

Gene: FANCA (FA complementation group A; minus strand). Cytogenetic location: 16q24.3.
Variant type: single nucleotide variant.
Coding change: c.3758G>C on transcript NM_000135.4 (MANE Select); coding-DNA position 3758, G replaced by C.
Protein change: p.Arg1253Thr; replaces arginine 1253 with threonine.
Molecular consequence: missense variant.
Genome position (GRCh38, 1-based): chr16:89,742,807, C>G on the plus strand (G>C on the coding strand, the complement: FANCA is on the minus strand). VCF-style: chr16-89742807-C-G. GRCh37 (hg19) VCF-style: chr16-89809215-C-G.
Other names: c.3758G>C, p.Arg1253Thr (NM_001286167.3); short protein forms R1253T.
Identifiers: ClinVar variation 4843043 (VCV004843043.1).
Genomic context (GRCh38, chr16:89,742,807, plus strand): 5'-ATTGAAACCAAGCTTGCGAGAAAATAAATCAGTAAAAGAATTTCCTATCTTGCCTCCTCT[C>G]TCTCGCAGTCCAGCTTCTTTAGCTGCTTCCTGATGTTTTCTTCCCTGACTTGTTGAATCG-3'
Protein context (NP_000126.2, residues 1243-1263): RKQLKKLDCE[Arg1253Thr]EELLVFLFFF